The following is an entry in ClinVar:

ClinVar aggregate classification (germline): Uncertain significance (1 of 4 stars; one submission).

Submission:

Labcorp Genetics (formerly Invitae), Labcorp
Classification: Uncertain significance. Last evaluated: 2024-02-17. Review status: criteria provided, single submitter. Criteria: Invitae Variant Classification Sherloc (09022015). Collection method: clinical testing. Allele origin: germline.
Comment: This sequence change replaces glycine, which is neutral and non-polar, with arginine, which is basic and polar, at codon 464 of the IL12RB2 protein (p.Gly464Arg). This variant is not present in population databases (gnomAD no frequency). This variant has not been reported in the literature in individuals affected with IL12RB2-related conditions. ClinVar contains an entry for this variant (Variation ID: 1476461). Algorithms developed to predict the effect of missense changes on protein structure and function output the following: SIFT: "Not Available"; PolyPhen-2: "Benign"; Align-GVGD: "Not Available". The arginine amino acid residue is found in multiple mammalian species, which suggests that this missense change does not adversely affect protein function. In summary, the available evidence is currently insufficient to determine the role of this variant in disease. Therefore, it has been classified as a Variant of Uncertain Significance.

NM_001374259.2(IL12RB2):c.1390G>A (p.Gly464Arg)

Gene: IL12RB2 (interleukin 12 receptor subunit beta 2; plus strand). Cytogenetic location: 1p31.3.
Variant type: single nucleotide variant.
Coding change: c.1390G>A on transcript NM_001374259.2 (MANE Select); coding-DNA position 1390, G replaced by A.
Protein change: p.Gly464Arg; replaces glycine 464 with arginine.
Molecular consequence: missense variant. On other transcripts: non-coding transcript variant (2).
Genome position (GRCh38, 1-based): chr1:67,367,956, G>A. VCF-style: chr1-67367956-G-A. GRCh37 (hg19) VCF-style: chr1-67833639-G-A.
Other names: c.1390G>A, p.Gly464Arg (NM_001258214.1, NM_001258215.1, NM_001258216.1 and 2 more transcripts); short protein forms G464R.
Identifiers: ClinVar variation 1476461 (VCV001476461.8), dbSNP rs2100985481, ClinGen allele CA340738209.